The following is an entry in ClinVar:

ClinVar aggregate classification (germline): Conflicting classifications of pathogenicity. Review status: criteria provided, conflicting classifications (1 of 4 stars). 4 submissions from 4 submitters: Uncertain significance (1); Benign (1); Likely benign (1). 1 of the submissions does not count toward it. Last evaluated 2025-12-03.

Conditions:
DLL1-related disorder. Also called: DLL1-related condition.

Allele frequency attached by ClinVar (database versions not stated): gnomAD 0.00020 and 0.00032; TOPMed 0.00025; ESP Exome Variant Server 0.00046; gnomAD exomes 0.00067 and 0.00077; ExAC 0.00081; 1000 Genomes Project 0.00100; 1000 Genomes Project 30x 0.00125.
gnomAD v4.1: 1,032 of 1,613,132 alleles (0.064%); highest among the groups gnomAD compares: South Asian, 0.41%; 7 homozygotes.

Submissions (5):

Labcorp Genetics (formerly Invitae), Labcorp
Classification: Benign. Last evaluated: 2025-12-03. Review status: criteria provided, single submitter. Criteria: Invitae Variant Classification Sherloc (09022015). Collection method: clinical testing. Allele origin: germline.

CeGaT Center for Human Genetics Tuebingen
Classification: Likely benign. Last evaluated: 2024-04-01. Review status: criteria provided, single submitter. Criteria: CeGaT Center For Human Genetics Tuebingen Variant Classification Criteria Version 2. Collection method: clinical testing. Allele origin: germline. Affected: yes. Observed: 2 variant alleles.
Comment: DLL1: BP4, BS1

GeneDx
Classification: Uncertain significance. Last evaluated: 2019-07-01. Review status: criteria provided, single submitter. Criteria: GeneDx Variant Classification Process June 2021. Collection method: clinical testing. Allele origin: germline. Affected: yes.
Comment: In silico analysis, which includes protein predictors and evolutionary conservation, supports that this variant does not alter protein structure/function; Has not been previously published as pathogenic or benign to our knowledge; Variants in candidate genes are classified as variants of uncertain significance in accordance with ACMG guidelines (Richards et al., 2015)

PreventionGenetics, part of Exact Sciences
Classification: Benign for DLL1-related condition. Last evaluated: 2020-07-20. Review status: no assertion criteria provided. Collection method: clinical testing. Allele origin: germline. Not counted in ClinVar's aggregate classification.
Comment: This variant is classified as benign based on ACMG/AMP sequence variant interpretation guidelines (Richards et al. 2015 PMID: 25741868, with internal and published modifications).

Dr. Peter K. Rogan Lab, Western University
No classification provided (evidence only). Condition: Thyroid cancer, nonmedullary, 1. Review status: no classification provided. Collection method: in vitro. Allele origin: not applicable. Functional consequence: retained intron. Not counted in ClinVar's aggregate classification.

NM_005618.4(DLL1):c.1981C>T (p.Arg661Cys)

Genes: DLL1 (delta like canonical Notch ligand 1; minus strand), LOC126859913 (P300/CBP strongly-dependent group 1 enhancer GRCh37_chr6:170591232-170592431; plus strand). Cytogenetic location: 6q27.
Variant type: single nucleotide variant.
Coding change: c.1981C>T on transcript NM_005618.4 (MANE Select); coding-DNA position 1981, C replaced by T.
Protein change: p.Arg661Cys; replaces arginine 661 with cysteine.
Molecular consequence: missense variant.
Genome position (GRCh38, 1-based): chr6:170,283,298, G>A on the plus strand (C>T on the coding strand, the complement: DLL1 is on the minus strand). VCF-style: chr6-170283298-G-A. GRCh37 (hg19) VCF-style: chr6-170592386-G-A.
Other names: short protein forms R661C.
Identifiers: ClinVar variation 1217947 (VCV001217947.34), dbSNP rs61757616, ClinGen allele CA4106662.